The following is an entry in ClinVar:

NM_001384474.1(LOXHD1):c.210G>T (p.Glu70Asp)

Gene: LOXHD1 (lipoxygenase homology PLAT domains 1; minus strand). Cytogenetic location: 18q21.1.
Variant type: single nucleotide variant.
Coding change: c.210G>T on transcript NM_001384474.1 (MANE Select); coding-DNA position 210, G replaced by T.
Protein change: p.Glu70Asp; replaces glutamic acid 70 with aspartic acid.
Molecular consequence: missense variant.
Genome position (GRCh38, 1-based): chr18:46,649,190, C>A on the plus strand (G>T on the coding strand, the complement: LOXHD1 is on the minus strand). VCF-style: chr18-46649190-C-A. GRCh37 (hg19) VCF-style: chr18-44229153-C-A.
Other names: c.210G>T, p.Glu70Asp (NM_144612.7); short protein forms E70D.
Identifiers: ClinVar variation 228817 (VCV000228817.6), dbSNP rs876657859, ClinGen allele CA10577089.
Genomic context (GRCh38, chr18:46,649,190, plus strand): 5'-CCACCAAGGCCAAGTGGGTACTCACTTGCTGGTGAGCTGGAGCTTGGGAGAGAGCCCATT[C>A]TCTCCAAAAAGCGTGATGAAGACATTGGCATCCGTCCCTGCACCGCGAACATCCCCCGTG-3'
Protein context (NP_001371403.1, residues 60-80): DANVFITLFG[Glu70Asp]NGLSPKLQLT

ClinVar aggregate classification (germline): Uncertain significance. Review status: criteria provided, multiple submitters, no conflicts (2 of 4 stars). 3 submissions from 3 submitters: Uncertain significance (2). 1 of the submissions does not count toward it. Last evaluated 2024-12-18.

Conditions:
Inborn genetic diseases. Identifiers: MedGen C0950123, MeSH D030342.
Autosomal recessive nonsyndromic hearing loss 77. Identifiers: Orphanet 90636, MedGen C2746083, MONDO:0013119, OMIM 613079.

Allele frequency attached by ClinVar (database versions not stated): TOPMed 0.00001; gnomAD exomes 0.00003 and 0.00008.
gnomAD v4.1: 17 of 1,551,766 alleles (0.0011%); highest among the groups gnomAD compares: Admixed American, 0.031%; no homozygotes.

Submissions (3):

Ambry Genetics
Classification: Uncertain significance for Inborn genetic diseases. Last evaluated: 2024-12-18. Review status: criteria provided, single submitter. Criteria: Ambry Variant Classification Scheme 2023. Collection method: clinical testing. Allele origin: germline.

Laboratory for Molecular Medicine, Mass General Brigham Personalized Medicine
Classification: Uncertain significance. Last evaluated: 2015-10-10. Review status: criteria provided, single submitter. Criteria: LMM Criteria. Collection method: clinical testing. Allele origin: germline. Observed: 1 variant allele.
Comment: Variant classified as Uncertain Significance - Favor Benign. The p.Glu70Asp vari ant in LOXHD1 has not been previously reported in individuals with hearing loss and was absent from large population studies. The glutamic acid (Glu) at amino a cid position 70 is conserved through mammals; however, several fish species have an aspartic acid (Asp) at this position, raising the possibility that this vari ant could be tolerated. Additional computational prediction tools and conservati on analysis suggest the variant may not impact the protein, though this informat ion is not predictive enough to rule out pathogenicity. In summary, while the cl inical significance of the p.Glu70Asp variant is uncertain, the conservation dat a suggest that it is more likely to be benign.

Natera, Inc.
Classification: Uncertain significance for Autosomal recessive deafness type 77. Last evaluated: 2019-10-28. Review status: no assertion criteria provided. Collection method: clinical testing. Allele origin: germline. Not counted in ClinVar's aggregate classification.